The following is an entry in ClinVar:

ClinVar aggregate classification (germline): Pathogenic/Likely pathogenic. Review status: criteria provided, multiple submitters, no conflicts (2 of 4 stars). 3 submissions from 3 submitters: Pathogenic (1); Likely pathogenic (1). 1 of the submissions does not count toward it. Last evaluated 2025-06-22.

Conditions:
Spondyloepimetaphyseal dysplasia with joint laxity (SEMDJL). Identifiers: MedGen C0432243, MONDO:0019675.
Ehlers-Danlos syndrome, spondylodysplastic type, 2 (EDSSPD2). Also called: Ehlers-Danlos syndrome, progeroid type, 2. Identifiers: Orphanet 536467, Orphanet 75496, MedGen C3809210, MONDO:0014139, OMIM 615349.
B3GALT6-related disorders.
Spondyloepimetaphyseal dysplasia with joint laxity, type 1, with or without fractures (SEMDJL1). Also called: SPONDYLOEPIMETAPHYSEAL DYSPLASIA WITH JOINT LAXITY, TYPE 1. Identifiers: Orphanet 642099, Orphanet 93359, MedGen C4017377, MONDO:0010075, OMIM 271640.

Submissions (3):

Labcorp Genetics (formerly Invitae), Labcorp
Classification: Pathogenic for Ehlers-Danlos syndrome, spondylodysplastic type, 2; Spondyloepimetaphyseal dysplasia with joint laxity. Last evaluated: 2025-06-22. Review status: criteria provided, single submitter. Criteria: Invitae Variant Classification Sherloc (09022015). Collection method: clinical testing. Allele origin: germline.
Comment: This sequence change replaces proline, which is neutral and non-polar, with leucine, which is neutral and non-polar, at codon 67 of the B3GALT6 protein (p.Pro67Leu). The frequency data for this variant in the population databases is considered unreliable, as metrics indicate insufficient coverage at this position in the gnomAD database. This missense change has been observed in individual(s) with spondyloepimetaphyseal dysplasia with joint laxity (PMID: 23664117, 24766538). In at least one individual the data is consistent with being in trans (on the opposite chromosome) from a pathogenic variant. ClinVar contains an entry for this variant (Variation ID: 60489). Invitae Evidence Modeling of protein sequence and biophysical properties (such as structural, functional, and spatial information, amino acid conservation, physicochemical variation, residue mobility, and thermodynamic stability) has been performed for this missense variant. However, the output from this modeling did not meet the statistical confidence thresholds required to predict the impact of this variant on B3GALT6 protein function. Experimental studies have shown that this missense change affects B3GALT6 function (PMID: 23664117). For these reasons, this variant has been classified as Pathogenic.

Blueprint Genetics
Classification: Likely pathogenic for B3GALT6-related disorders. Last evaluated: 2018-09-06. Review status: criteria provided, single submitter. Criteria: ACMG Guidelines, 2015. Collection method: clinical testing. Allele origin: germline. Affected: yes. Observed: 3 variant alleles.

OMIM
Classification: Pathogenic for SPONDYLOEPIMETAPHYSEAL DYSPLASIA WITH JOINT LAXITY, TYPE 1. Last evaluated: 2013-06-06. Review status: no assertion criteria provided. Collection method: literature only. Allele origin: germline. Not counted in ClinVar's aggregate classification.

Literature cited by the submitters: PubMed 23664117 (cited by Labcorp Genetics (formerly Invitae), Labcorp and OMIM); PubMed 24766538 (cited by Labcorp Genetics (formerly Invitae), Labcorp).

NM_080605.4(B3GALT6):c.200C>T (p.Pro67Leu)

Gene: B3GALT6 (beta-1,3-galactosyltransferase 6; plus strand). Cytogenetic location: 1p36.33.
Variant type: single nucleotide variant.
Coding change: c.200C>T on transcript NM_080605.4 (MANE Select); coding-DNA position 200, C replaced by T.
Protein change: p.Pro67Leu; replaces proline 67 with leucine.
Molecular consequence: missense variant.
Genome position (GRCh38, 1-based): chr1:1,232,478, C>T. VCF-style: chr1-1232478-C-T. GRCh37 (hg19) VCF-style: chr1-1167858-C-T.
Other names: B3GALT6, PRO67LEU; short protein forms P67L.
Identifiers: ClinVar variation 60489 (VCV000060489.9), dbSNP rs397514720, ClinGen allele CA144527.
Genomic context (GRCh38, chr1:1,232,478, plus strand): 5'-CGCCTCCCCCCGCGCCCGCGCGCGCCGCCGCCTTCCTGGCAGTGCTGGTGGCCAGCGCGC[C>T]CCGCGCCGCCGAGCGCCGCAGCGTGATCCGCAGCACGTGGCTTGCGCGGCGCGGGGCCCC-3'
Protein context (NP_542172.2, residues 57-77): AFLAVLVASA[Pro67Leu]RAAERRSVIR